The following is an entry in ClinVar:

NM_001349206.2(LPIN1):c.2304G>C (p.Met768Ile)

Gene: LPIN1 (lipin 1; plus strand). Cytogenetic location: 2p25.1.
Variant type: single nucleotide variant.
Coding change: c.2304G>C on transcript NM_001349206.2 (MANE Select); coding-DNA position 2304, G replaced by C.
Protein change: p.Met768Ile; replaces methionine 768 with isoleucine.
Molecular consequence: missense variant. On other transcripts: non-coding transcript variant (1).
Genome position (GRCh38, 1-based): chr2:11,815,142, G>C. VCF-style: chr2-11815142-G-C. GRCh37 (hg19) VCF-style: chr2-11955268-G-C.
Other names: c.2214G>C, p.Met738Ile (NM_001261427.3); c.2451G>C, p.Met817Ile (NM_001261428.3); c.2196G>C, p.Met732Ile (NM_001349199.2, NM_145693.4); c.2274G>C, p.Met758Ile (NM_001349200.2, NM_001349201.2); c.2301G>C, p.Met767Ile (NM_001349202.2, NM_001349203.2); c.2304G>C, p.Met768Ile (NM_001349204.2, NM_001349205.2); c.2394G>C, p.Met798Ile (NM_001349207.2); c.2343G>C, p.Met781Ile (NM_001349208.2); short protein forms M738I, M767I, M781I, M768I, M817I, M732I, M758I, M798I.
Identifiers: ClinVar variation 3708655 (VCV003708655.2).
Genomic context (GRCh38, chr2:11,815,142, plus strand): 5'-TTTCAGGAATGGATATAAATTTCTCTACTGTTCTGCCCGTGCCATCGGGATGGCGGACAT[G>C]ACGCGGGGCTACCTGCACTGGGTCAACGAGAGGGGCACGGTGCTGCCCCAGGGGCCCCTG-3'
Protein context (NP_001336135.1, residues 758-778): CSARAIGMAD[Met768Ile]TRGYLHWVNE

ClinVar aggregate classification (germline): Uncertain significance (1 of 4 stars; one submission).

gnomAD v4.1: 2 of 1,614,226 alleles (0.00012%); highest among the groups gnomAD compares: Non-Finnish European, 0.00017%; no homozygotes.

Submission:

Labcorp Genetics (formerly Invitae), Labcorp
Classification: Uncertain significance. Last evaluated: 2024-12-26. Review status: criteria provided, single submitter. Criteria: Invitae Variant Classification Sherloc (09022015). Collection method: clinical testing. Allele origin: germline.
Comment: This sequence change replaces methionine, which is neutral and non-polar, with isoleucine, which is neutral and non-polar, at codon 732 of the LPIN1 protein (p.Met732Ile). This variant is not present in population databases (gnomAD no frequency). This variant has not been reported in the literature in individuals affected with LPIN1-related conditions. Invitae Evidence Modeling of protein sequence and biophysical properties (such as structural, functional, and spatial information, amino acid conservation, physicochemical variation, residue mobility, and thermodynamic stability) indicates that this missense variant is not expected to disrupt LPIN1 protein function with a negative predictive value of 80%. In summary, the available evidence is currently insufficient to determine the role of this variant in disease. Therefore, it has been classified as a Variant of Uncertain Significance.